The following is an entry in ClinVar:

NM_018192.4(P3H2):c.4C>T (p.Arg2Trp)

Genes: P3H2 (prolyl 3-hydroxylase 2; minus strand), LOC123464484 (Sharpr-MPRA regulatory region 10063; plus strand). Cytogenetic location: 3q28.
Variant type: single nucleotide variant.
Coding change: c.4C>T on transcript NM_018192.4 (MANE Select); coding-DNA position 4, C replaced by T.
Protein change: p.Arg2Trp; replaces arginine 2 with tryptophan.
Molecular consequence: missense variant. On other transcripts: intron variant (1).
Genome position (GRCh38, 1-based): chr3:190,120,728, G>A on the plus strand (C>T on the coding strand, the complement: P3H2 is on the minus strand). VCF-style: chr3-190120728-G-A. GRCh37 (hg19) VCF-style: chr3-189838517-G-A.
Other names: c.-64+1475C>T (NM_001134418.2); short protein forms R2W.
Identifiers: ClinVar variation 1013787 (VCV001013787.5), dbSNP rs1037878355, ClinGen allele CA90197244.

ClinVar aggregate classification (germline): Uncertain significance. Review status: criteria provided, multiple submitters, no conflicts (2 of 4 stars). 2 submissions from 2 submitters: Uncertain significance (2). Last evaluated 2024-02-16.

Allele frequency attached by ClinVar (database versions not stated): TOPMed 0.00001.
gnomAD v4.1: 34 of 1,519,224 alleles (0.0022%); highest among the groups gnomAD compares: Non-Finnish European, 0.0027%; no homozygotes.

Submissions (2):

Blueprint Genetics
Classification: Uncertain significance. Last evaluated: 2024-02-16. Review status: criteria provided, single submitter. Criteria: ACMG Guidelines, 2015. Collection method: clinical testing. Allele origin: germline.

Labcorp Genetics (formerly Invitae), Labcorp
Classification: Uncertain significance. Last evaluated: 2022-04-25. Review status: criteria provided, single submitter. Criteria: Invitae Variant Classification Sherloc (09022015). Collection method: clinical testing. Allele origin: germline.
Comment: This sequence change replaces arginine, which is basic and polar, with tryptophan, which is neutral and slightly polar, at codon 2 of the P3H2 protein (p.Arg2Trp). In summary, the available evidence is currently insufficient to determine the role of this variant in disease. Therefore, it has been classified as a Variant of Uncertain Significance. Algorithms developed to predict the effect of missense changes on protein structure and function are either unavailable or do not agree on the potential impact of this missense change (SIFT: "Tolerated"; PolyPhen-2: "Probably Damaging"; Align-GVGD: "Class C0"). ClinVar contains an entry for this variant (Variation ID: 1013787). This variant has not been reported in the literature in individuals affected with P3H2-related conditions. The frequency data for this variant in the population databases is considered unreliable, as metrics indicate poor data quality at this position in the gnomAD database.